The following is an entry in ClinVar:

NM_000232.5(SGCB):c.613A>C (p.Thr205Pro)

Gene: SGCB (sarcoglycan beta; minus strand). Cytogenetic location: 4q12.
Variant type: single nucleotide variant.
Coding change: c.613A>C on transcript NM_000232.5 (MANE Select); coding-DNA position 613, A replaced by C.
Protein change: p.Thr205Pro; replaces threonine 205 with proline.
Molecular consequence: missense variant.
Genome position (GRCh38, 1-based): chr4:52,028,738, T>G on the plus strand (A>C on the coding strand, the complement: SGCB is on the minus strand). VCF-style: chr4-52028738-T-G. GRCh37 (hg19) VCF-style: chr4-52894904-T-G.
Other names: short protein forms T205P.
Identifiers: ClinVar variation 1959734 (VCV001959734.2), dbSNP rs202114068, ClinGen allele CA356876471.

ClinVar aggregate classification (germline): Uncertain significance (1 of 4 stars; one submission).

Conditions:
Autosomal recessive limb-girdle muscular dystrophy type 2E (LGMDR4). Also called: MUSCULAR DYSTROPHY, LIMB-GIRDLE, AUTOSOMAL RECESSIVE 4. Identifiers: Orphanet 119, MedGen C1858593, MONDO:0011423, OMIM 604286. Disease mechanism: Affects gamma-sarcoglycan and also disrupts the integrity of the entire sarcoglycan complex..

Submission:

Labcorp Genetics (formerly Invitae), Labcorp
Classification: Uncertain significance for Autosomal recessive limb-girdle muscular dystrophy type 2E. Last evaluated: 2021-08-14. Review status: criteria provided, single submitter. Criteria: Invitae Variant Classification Sherloc (09022015). Collection method: clinical testing. Allele origin: germline.
Comment: This sequence change replaces threonine with proline at codon 205 of the SGCB protein (p.Thr205Pro). The threonine residue is highly conserved and there is a small physicochemical difference between threonine and proline. This variant is not present in population databases (ExAC no frequency). This variant has not been reported in the literature in individuals affected with SGCB-related conditions. Algorithms developed to predict the effect of missense changes on protein structure and function are either unavailable or do not agree on the potential impact of this missense change (SIFT: "Deleterious"; PolyPhen-2: "Probably Damaging"; Align-GVGD: "Class C0"). In summary, the available evidence is currently insufficient to determine the role of this variant in disease. Therefore, it has been classified as a Variant of Uncertain Significance.